The following is an entry in ClinVar:

ClinVar aggregate classification (germline): Likely pathogenic (1 of 4 stars; one submission).

Submission:

Labcorp Genetics (formerly Invitae), Labcorp
Classification: Likely pathogenic. Last evaluated: 2025-03-17. Review status: criteria provided, single submitter. Criteria: Invitae Variant Classification Sherloc (09022015). Collection method: clinical testing. Allele origin: germline.
Comment: This sequence change replaces glycine, which is neutral and non-polar, with aspartic acid, which is acidic and polar, at codon 339 of the COL2A1 protein (p.Gly339Asp). This variant is not present in population databases (gnomAD no frequency). This missense change has been observed in individual(s) with COL2A1-related conditions (PMID: 29095814). ClinVar contains an entry for this variant (Variation ID: 1068318). Invitae Evidence Modeling of protein sequence and biophysical properties (such as structural, functional, and spatial information, amino acid conservation, physicochemical variation, residue mobility, and thermodynamic stability) indicates that this missense variant is expected to disrupt COL2A1 protein function with a positive predictive value of 95%. This variant disrupts the triple helix domain of COL2A1. Glycine residues within the Gly-Xaa-Yaa repeats of the triple helix domain are required for the structure and stability of fibrillar collagens (PMID: 7695699, 8218237, 19344236). In COL2A1, variants affecting these glycine residues are significantly enriched in individuals with disease (PMID: 9016532, 17078022) compared to the general population (ExAC). In summary, the currently available evidence indicates that the variant is pathogenic, but additional data are needed to prove that conclusively. Therefore, this variant has been classified as Likely Pathogenic.

Literature cited by the submitters: PubMed 29095814; PubMed 7695699; PubMed 8218237; PubMed 19344236; PubMed 9016532; PubMed 17078022.

NM_001844.5(COL2A1):c.1016G>A (p.Gly339Asp)

Gene: COL2A1 (collagen type II alpha 1 chain; minus strand). Cytogenetic location: 12q13.11.
Variant type: single nucleotide variant.
Coding change: c.1016G>A on transcript NM_001844.5 (MANE Select); coding-DNA position 1016, G replaced by A.
Protein change: p.Gly339Asp; replaces glycine 339 with aspartic acid.
Molecular consequence: missense variant.
Genome position (GRCh38, 1-based): chr12:47,992,885, C>T on the plus strand (G>A on the coding strand, the complement: COL2A1 is on the minus strand). VCF-style: chr12-47992885-C-T. GRCh37 (hg19) VCF-style: chr12-48386668-C-T.
Other names: c.809G>A, p.Gly270Asp (NM_033150.3); short protein forms G270D, G339D.
Identifiers: ClinVar variation 1068318 (VCV001068318.7), dbSNP rs2136604676, ClinGen allele CA384555610.